The following is an entry in ClinVar:

ClinVar aggregate classification (germline): Pathogenic/Likely pathogenic. Review status: criteria provided, multiple submitters, no conflicts (2 of 4 stars). 2 submissions from 2 submitters: Pathogenic (1); Likely pathogenic (1). Last evaluated 2026-03-24.

Conditions:
Multiple endocrine neoplasia, type 1 (MEN1). Also called: Endocrine adenomatosis multiple; MEN 1; MEA I; MEN I; WERMER SYNDROME. Identifiers: Orphanet 652, MedGen C0025267, MeSH D018761, MONDO:0007540, OMIM 131100.

Submissions (2):

Myriad Genetics, Inc.
Classification: Likely pathogenic for Multiple endocrine neoplasia, type 1. Last evaluated: 2026-03-24. Review status: criteria provided, single submitter. Criteria: Myriad Autosomal Dominant, Autosomal Recessive and X-Linked Classification Criteria (2023). Collection method: clinical testing. Allele origin: unknown.
Comment: This variant is considered likely pathogenic. Functional studies indicate this variant impacts protein function [PMID: 21819486]. This variant is expected to disrupt protein structure [Myriad internal data]. This variant has been reported in multiple individuals with clinical features of gene-specific disease [PMID: 12699448, 15670192; external communications 2026].

Labcorp Genetics (formerly Invitae), Labcorp
Classification: Pathogenic for Multiple endocrine neoplasia, type 1. Last evaluated: 2022-08-23. Review status: criteria provided, single submitter. Criteria: Invitae Variant Classification Sherloc (09022015). Collection method: clinical testing. Allele origin: germline.
Comment: This sequence change replaces aspartic acid, which is acidic and polar, with valine, which is neutral and non-polar, at codon 153 of the MEN1 protein (p.Asp153Val). This variant is not present in population databases (gnomAD no frequency). For these reasons, this variant has been classified as Pathogenic. This missense change has been observed in individuals with clinical features of multiple endocrine neoplasia type 1 (PMID: 12699448, 15670192, 19068082; Invitae). It has also been observed to segregate with disease in related individuals. ClinVar contains an entry for this variant (Variation ID: 580322). Advanced modeling of protein sequence and biophysical properties (such as structural, functional, and spatial information, amino acid conservation, physicochemical variation, residue mobility, and thermodynamic stability) performed at Invitae indicates that this missense variant is expected to disrupt MEN1 protein function. Experimental studies have shown that this missense change affects MEN1 function (PMID: 21819486). Algorithms developed to predict the effect of sequence changes on RNA splicing suggest that this variant may create or strengthen a splice site.

Literature cited by the submitters: PubMed 21819486 (cited by Myriad Genetics, Inc. and Labcorp Genetics (formerly Invitae), Labcorp); PubMed 12699448 (cited by Myriad Genetics, Inc. and Labcorp Genetics (formerly Invitae), Labcorp); PubMed 15670192 (cited by Myriad Genetics, Inc. and Labcorp Genetics (formerly Invitae), Labcorp); PubMed 19068082 (cited by Labcorp Genetics (formerly Invitae), Labcorp).

NM_001370259.2(MEN1):c.458A>T (p.Asp153Val)

Gene: MEN1 (menin 1; minus strand). Cytogenetic location: 11q13.1.
Variant type: single nucleotide variant.
Coding change: c.458A>T on transcript NM_001370259.2 (MANE Select); coding-DNA position 458, A replaced by T.
Protein change: p.Asp153Val; replaces aspartic acid 153 with valine.
Molecular consequence: missense variant.
Genome position (GRCh38, 1-based): chr11:64,808,087, T>A on the plus strand (A>T on the coding strand, the complement: MEN1 is on the minus strand). VCF-style: chr11-64808087-T-A. GRCh37 (hg19) VCF-style: chr11-64575559-T-A.
Other names: c.473A>T, p.Asp158Val (NM_000244.4, NM_130800.3, NM_130801.3 and 3 more transcripts); c.458A>T, p.Asp153Val (NM_001370251.2, NM_001370260.2, NM_001370261.2 and 3 more transcripts); short protein forms D158V, D153V.
Identifiers: ClinVar variation 580322 (VCV000580322.12), dbSNP rs1565648789, ClinGen allele CA381186284.
Genomic context (GRCh38, chr11:64,808,087, plus strand): 5'-ACATCCCGGAGACCCAGGGCCTGGCAGGCCCCAACCACAGCAAAGGCCACACCGGAGCTG[T>A]CCAATTTGGTGCCTGTGGAAGGGGGAGGTAATGAAAGAGGGTCCTCTGTGCTTTAACATG-3'
Protein context (NP_001357188.2, residues 143-163): LFSFITGTKL[Asp153Val]SSGVAFAVVG